The following is an entry in ClinVar:

NM_000810.4(GABRA5):c.1034C>A (p.Thr345Asn)

Gene: GABRA5 (gamma-aminobutyric acid type A receptor subunit alpha5; plus strand). Cytogenetic location: 15q12.
Variant type: single nucleotide variant.
Coding change: c.1034C>A on transcript NM_000810.4 (MANE Select); coding-DNA position 1034, C replaced by A.
Protein change: p.Thr345Asn; replaces threonine 345 with asparagine.
Molecular consequence: missense variant.
Genome position (GRCh38, 1-based): chr15:26,943,371, C>A. VCF-style: chr15-26943371-C-A. GRCh37 (hg19) VCF-style: chr15-27188518-C-A.
Other names: c.1034C>A, p.Thr345Asn (NM_001165037.2); short protein forms T345N.
Identifiers: ClinVar variation 4883061 (VCV004883061.2).
Genomic context (GRCh38, chr15:26,943,371, plus strand): 5'-CCGTGTGCTATGCCTTCGTCTTCTCGGCGCTGATAGAGTTTGCCACGGTCAATTACTTTA[C>A]CAAGAGAGGCTGGGCCTGGGATGGCAAAAAAGCCTTGGAAGCAGCCAAGATCAAGGTACT-3'
Protein context (NP_000801.1, residues 335-355): LIEFATVNYF[Thr345Asn]KRGWAWDGKK

ClinVar aggregate classification (germline): Uncertain significance (1 of 4 stars; one submission).

Conditions:
Developmental and epileptic encephalopathy, 79. Also called: EPILEPTIC ENCEPHALOPATHY, EARLY INFANTILE, 79. Identifiers: MedGen C5231410, MONDO:0032813, OMIM 618559.

Submission:

Dasa
Classification: Uncertain significance for Developmental and epileptic encephalopathy, 79. Last evaluated: 2026-04-23. Review status: criteria provided, single submitter. Criteria: DASA Assertion Criteria. Collection method: clinical testing. Allele origin: germline.
Comment: NM_000810.4(GABRA5):c.1034C>A (p.Thr345Asn) is a missense variant that results in the substitution of threonine with asparagine. This variant is absent from population databases. Computational prediction algorithms are consistent with a deleterious effect. The currently available literature and clinical evidence are not sufficient to establish a definitive association between this variant and the reported condition. Therefore, this variant is classified as a variant of uncertain significance.